The following is an entry in ClinVar:

ClinVar aggregate classification (germline): Uncertain significance (1 of 4 stars; one submission).

Conditions:
Bethlem myopathy 1A. Also called: MYOPATHY, BENIGN CONGENITAL, WITH CONTRACTURES; Bethlem myopathy 1; Bethlem Muscular Dystrophy. Identifiers: Orphanet 610, MedGen CN029274, MONDO:0024530, OMIM 158810.

Allele frequency attached by ClinVar (database versions not stated): TOPMed below 0.00001.
gnomAD v4.1: 1 of 1,614,222 alleles (0.000062%); highest among the groups gnomAD compares: Middle Eastern, 0.016%; no homozygotes.

Submission:

Labcorp Genetics (formerly Invitae), Labcorp
Classification: Uncertain significance for Bethlem myopathy 1A. Last evaluated: 2020-02-04. Review status: criteria provided, single submitter. Criteria: Invitae Variant Classification Sherloc (09022015). Collection method: clinical testing. Allele origin: germline.
Comment: This variant has not been reported in the literature in individuals with COL6A3-related conditions. Algorithms developed to predict the effect of missense changes on protein structure and function are either unavailable or do not agree on the potential impact of this missense change (SIFT: "Tolerated"; PolyPhen-2: "Not Available"; Align-GVGD: "Class C0"). In summary, the available evidence is currently insufficient to determine the role of this variant in disease. Therefore, it has been classified as a Variant of Uncertain Significance. This sequence change replaces valine with isoleucine at codon 2567 of the COL6A3 protein (p.Val2567Ile). The valine residue is moderately conserved and there is a small physicochemical difference between valine and isoleucine. This variant is not present in population databases (ExAC no frequency).

NM_004369.4(COL6A3):c.7699G>A (p.Val2567Ile)

Gene: COL6A3 (collagen type VI alpha 3 chain; minus strand). Cytogenetic location: 2q37.3.
Variant type: single nucleotide variant.
Coding change: c.7699G>A on transcript NM_004369.4 (MANE Select); coding-DNA position 7699, G replaced by A.
Protein change: p.Val2567Ile; replaces valine 2567 with isoleucine.
Molecular consequence: missense variant.
Genome position (GRCh38, 1-based): chr2:237,342,131, C>T on the plus strand (G>A on the coding strand, the complement: COL6A3 is on the minus strand). VCF-style: chr2-237342131-C-T. GRCh37 (hg19) VCF-style: chr2-238250774-C-T.
Other names: c.5878G>A, p.Val1960Ile (NM_057166.5); c.7081G>A, p.Val2361Ile (NM_057167.4); short protein forms V2361I, V1960I, V2567I.
Identifiers: ClinVar variation 860727 (VCV000860727.10), dbSNP rs1559203170, ClinGen allele CA351199935.